The following is an entry in ClinVar:

NM_000287.4(PEX6):c.2668T>C (p.Phe890Leu)

Gene: PEX6 (peroxisomal biogenesis factor 6; minus strand). Cytogenetic location: 6p21.1.
Variant type: single nucleotide variant.
Coding change: c.2668T>C on transcript NM_000287.4 (MANE Select); coding-DNA position 2668, T replaced by C.
Protein change: p.Phe890Leu; replaces phenylalanine 890 with leucine.
Molecular consequence: missense variant. On other transcripts: non-coding transcript variant (1).
Genome position (GRCh38, 1-based): chr6:42,964,928, A>G on the plus strand (T>C on the coding strand, the complement: PEX6 is on the minus strand). VCF-style: chr6-42964928-A-G. GRCh37 (hg19) VCF-style: chr6-42932666-A-G.
Other names: c.2404T>C, p.Phe802Leu (NM_001316313.2); short protein forms F802L, F890L.
Identifiers: ClinVar variation 1363005 (VCV001363005.8), dbSNP rs2114236546, ClinGen allele CA364150519.

ClinVar aggregate classification (germline): Uncertain significance (1 of 4 stars; one submission).

Conditions:
Peroxisome biogenesis disorder. Identifiers: Orphanet 79189, MedGen C1832200, MONDO:0019234. Disease mechanism: loss of function.

Submission:

Labcorp Genetics (formerly Invitae), Labcorp
Classification: Uncertain significance for Peroxisome biogenesis disorder. Last evaluated: 2021-11-03. Review status: criteria provided, single submitter. Criteria: Invitae Variant Classification Sherloc (09022015). Collection method: clinical testing. Allele origin: germline.
Comment: This sequence change replaces phenylalanine, which is neutral and non-polar, with leucine, which is neutral and non-polar, at codon 890 of the PEX6 protein (p.Phe890Leu). In summary, the available evidence is currently insufficient to determine the role of this variant in disease. Therefore, it has been classified as a Variant of Uncertain Significance. Algorithms developed to predict the effect of missense changes on protein structure and function are either unavailable or do not agree on the potential impact of this missense change (SIFT: "Tolerated"; PolyPhen-2: "Possibly Damaging"; Align-GVGD: "Class C0"). This variant has not been reported in the literature in individuals affected with PEX6-related conditions. This variant is not present in population databases (gnomAD no frequency).